The following is an entry in ClinVar:

NM_000535.7(PMS2):c.1655A>G (p.His552Arg)

Gene: PMS2 (PMS1 homolog 2, mismatch repair system component; minus strand). Cytogenetic location: 7p22.1.
Variant type: single nucleotide variant.
Coding change: c.1655A>G on transcript NM_000535.7 (MANE Select); coding-DNA position 1655, A replaced by G.
Protein change: p.His552Arg; replaces histidine 552 with arginine.
Molecular consequence: missense variant. On other transcripts: non-coding transcript variant (1).
Genome position (GRCh38, 1-based): chr7:5,987,110, T>C on the plus strand (A>G on the coding strand, the complement: PMS2 is on the minus strand). VCF-style: chr7-5987110-T-C. GRCh37 (hg19) VCF-style: chr7-6026741-T-C.
Other names: c.1094A>G, p.His365Arg (NM_001322010.2, NM_001406906.1, NM_001406907.1); c.722A>G, p.His241Arg (NM_001322011.2, NM_001322012.2); c.1082A>G, p.His361Arg (NM_001322013.2, NM_001406909.1); c.1655A>G, p.His552Arg (NM_001322014.2, NM_001406871.1, NM_001406872.1); c.1346A>G, p.His449Arg (NM_001322015.2, NM_001406880.1, NM_001406881.1 and 5 more transcripts); c.1841A>G, p.His614Arg (NM_001406866.1); c.1679A>G, p.His560Arg (NM_001406868.1); c.1547A>G, p.His516Arg (NM_001406869.1); and 12 more; short protein forms H241R, H365R, H446R, H496R, H500R, H295R, H397R, H444R.
Identifiers: ClinVar variation 2059349 (VCV002059349.4), dbSNP rs1783019484, ClinGen allele CA366741357.

ClinVar aggregate classification (germline): Uncertain significance (1 of 4 stars; one submission).

Conditions:
Hereditary nonpolyposis colorectal neoplasms. Identifiers: MedGen C0009405, MeSH D003123.

Submission:

Labcorp Genetics (formerly Invitae), Labcorp
Classification: Uncertain significance for Hereditary nonpolyposis colorectal neoplasms. Last evaluated: 2023-12-03. Review status: criteria provided, single submitter. Criteria: Invitae Variant Classification Sherloc (09022015). Collection method: clinical testing. Allele origin: germline.
Comment: This sequence change replaces histidine, which is basic and polar, with arginine, which is basic and polar, at codon 552 of the PMS2 protein (p.His552Arg). This variant is not present in population databases (gnomAD no frequency). This variant has not been reported in the literature in individuals affected with PMS2-related conditions. ClinVar contains an entry for this variant (Variation ID: 2059349). Advanced modeling of protein sequence and biophysical properties (such as structural, functional, and spatial information, amino acid conservation, physicochemical variation, residue mobility, and thermodynamic stability) performed at Invitae indicates that this missense variant is not expected to disrupt PMS2 protein function with a negative predictive value of 80%. In summary, the available evidence is currently insufficient to determine the role of this variant in disease. Therefore, it has been classified as a Variant of Uncertain Significance.